The following is an entry in ClinVar:

NM_002291.3(LAMB1):c.2235C>T (p.Ser745=)

Gene: LAMB1 (laminin subunit beta 1; minus strand). Cytogenetic location: 7q31.1.
Variant type: single nucleotide variant.
Coding change: c.2235C>T on transcript NM_002291.3 (MANE Select); coding-DNA position 2235, C replaced by T.
Protein change: p.Ser745=; no amino-acid change (serine 745 retained).
Molecular consequence: synonymous variant.
Genome position (GRCh38, 1-based): chr7:107,960,524, G>A on the plus strand (C>T on the coding strand, the complement: LAMB1 is on the minus strand). VCF-style: chr7-107960524-G-A. GRCh37 (hg19) VCF-style: chr7-107600969-G-A.
Identifiers: ClinVar variation 734450 (VCV000734450.10), dbSNP rs539713485, ClinGen allele CA4435712.

ClinVar aggregate classification (germline): Likely benign. Review status: criteria provided, single submitter (1 of 4 stars). 2 submissions from 2 submitters: Likely benign (1). 1 of the submissions does not count toward it. Last evaluated 2022-06-23.

Conditions:
LAMB1-related disorder. Also called: LAMB1-related condition.

Allele frequency attached by ClinVar (database versions not stated): gnomAD exomes 0.00002 and 0.00007; ExAC 0.00004; gnomAD 0.00005; TOPMed 0.00006.
gnomAD v4.1: 42 of 1,614,158 alleles (0.0026%); highest among the groups gnomAD compares: East Asian, 0.04%; no homozygotes.

Submissions (2):

Labcorp Genetics (formerly Invitae), Labcorp
Classification: Likely benign. Last evaluated: 2022-06-23. Review status: criteria provided, single submitter. Criteria: Invitae Variant Classification Sherloc (09022015). Collection method: clinical testing. Allele origin: germline.

PreventionGenetics, part of Exact Sciences
Classification: Likely benign for LAMB1-related condition. Last evaluated: 2019-04-15. Review status: no assertion criteria provided. Collection method: clinical testing. Allele origin: germline. Not counted in ClinVar's aggregate classification.
Comment: This variant is classified as likely benign based on ACMG/AMP sequence variant interpretation guidelines (Richards et al. 2015 PMID: 25741868, with internal and published modifications).